The following is an entry in ClinVar:

ClinVar aggregate classification (germline): Likely pathogenic (1 of 4 stars; one submission).

Conditions:
Ehlers-Danlos syndrome due to tenascin-X deficiency (EDSCLL1). Also called: EDS DUE TO TNX DEFICIENCY; TNX DEFICIENCY; Ehlers-Danlos syndrome, classic-like, 1; EHLERS-DANLOS SYNDROME, CLASSIC-LIKE; TNXB-Related Classical-Like Ehlers-Danlos Syndrome. Identifiers: Orphanet 230839, MedGen C1848029, MONDO:0011670, OMIM 606408.

Submission:

First Genomix Gene Laboratory, Genetic Diagnostics Department
Classification: Likely pathogenic for Ehlers-Danlos syndrome due to tenascin-X deficiency. Last evaluated: 2025-12-31. Review status: criteria provided, single submitter. Criteria: ACMG Guidelines, 2015. Collection method: clinical testing. Allele origin: germline. Inheritance: Autosomal recessive inheritance. Affected: no. Observed: 1 variant allele.

NM_001365276.2(TNXB):c.11530+1G>T

Genes: TNXB (tenascin XB; minus strand), LOC106780803 (tenascin XB recombination region; plus strand). Cytogenetic location: 6p21.33.
Variant type: single nucleotide variant.
Coding change: c.11530+1G>T on transcript NM_001365276.2 (MANE Select); the canonical splice donor site of the intron after coding-DNA position 11530, G replaced by T.
Molecular consequence: splice donor variant.
Genome position (GRCh38, 1-based): chr6:32,043,748, C>A on the plus strand (G>T on the coding strand, the complement: TNXB is on the minus strand). VCF-style: chr6-32043748-C-A. GRCh37 (hg19) VCF-style: chr6-32011525-C-A.
Other names: c.11524+1G>T (NM_019105.8); c.12271+1G>T (NM_001428335.1); c.817+1G>T (NM_032470.4).
Identifiers: ClinVar variation 4850636 (VCV004850636.1).
Genomic context (GRCh38, chr6:32,043,748, plus strand): 5'-ACTCCCACCCATGCCGTTTTCTTGGCTCCCACCTCTTGCCCCGGGTCCCAGTCCATCTCA[C>A]CCGTGGTGAGGAAGCCTGTGAGAGGCTCACTCTCCTCAAAGCCTCGGACCGAGACCACGG-3'